The following is an entry in ClinVar:

NM_005359.6(SMAD4):c.788-14G>T

Gene: SMAD4 (SMAD family member 4; plus strand). Cytogenetic location: 18q21.2.
Variant type: single nucleotide variant.
Coding change: c.788-14G>T on transcript NM_005359.6 (MANE Select); 14 bases into the intron before coding-DNA position 788, G replaced by T.
Molecular consequence: intron variant.
Genome position (GRCh38, 1-based): chr18:51,058,326, G>T. VCF-style: chr18-51058326-G-T. GRCh37 (hg19) VCF-style: chr18-48584696-G-T.
Identifiers: ClinVar variation 492497 (VCV000492497.13), dbSNP rs769943457, ClinGen allele CA300086383.

ClinVar aggregate classification (germline): Likely benign. Review status: criteria provided, multiple submitters, no conflicts (2 of 4 stars). 5 submissions from 5 submitters: Likely benign (5). Last evaluated 2025-08-24.

Conditions:
Hereditary cancer-predisposing syndrome. Also called: Hereditary neoplastic syndrome; Tumor predisposition; Neoplastic Syndromes, Hereditary; Hereditary Cancer Syndrome. Identifiers: Orphanet 140162, MedGen C0027672, MeSH D009386, MONDO:0015356.
Juvenile polyposis syndrome (JPS). Identifiers: Orphanet 2929, MedGen C0345893, MONDO:0017380, OMIM 174900.
Juvenile polyposis/hereditary hemorrhagic telangiectasia syndrome (JPHT). Also called: Juvenile Polyposis Syndrome / Hereditary Hemorrhagic Telangiectasia (JPS/HHT); JP/HHT SYNDROME; JUVENILE POLYPOSIS WITH HEREDITARY HEMORRHAGIC TELANGIECTASIA; POLYPOSIS, GENERALIZED JUVENILE, WITH PULMONARY ARTERIOVENOUS MALFORMATION; TELANGIECTASIA, HEREDITARY HEMORRHAGIC, WITH JUVENILE POLYPOSIS COLI. Identifiers: Orphanet 2929, MedGen C1832942, MONDO:0008278, OMIM 175050.

Allele frequency attached by ClinVar (database versions not stated): TOPMed below 0.00001.

Submissions (5):

Labcorp Genetics (formerly Invitae), Labcorp
Classification: Likely benign for Juvenile polyposis syndrome. Last evaluated: 2025-08-24. Review status: criteria provided, single submitter. Criteria: Invitae Variant Classification Sherloc (09022015). Collection method: clinical testing. Allele origin: germline.

Myriad Genetics, Inc.
Classification: Likely benign for Juvenile polyposis/hereditary hemorrhagic telangiectasia syndrome. Last evaluated: 2025-03-20. Review status: criteria provided, single submitter. Criteria: Myriad Autosomal Dominant, Autosomal Recessive and X-Linked Classification Criteria (2023). Collection method: clinical testing. Allele origin: unknown.
Comment: This variant is considered likely benign. This variant is intronic and is not expected to impact mRNA splicing.

All of Us Research Program, National Institutes of Health
Classification: Likely benign for Juvenile polyposis/hereditary hemorrhagic telangiectasia syndrome. Last evaluated: 2023-11-02. Review status: criteria provided, single submitter. Criteria: ACMG Guidelines, 2015. Collection method: clinical testing. Allele origin: germline. Inheritance: Autosomal dominant inheritance. Observed: 2 variant alleles, 2 heterozygotes.
Comment: This study involves interpretation of variants in research participants for the purpose of population health screening. Participant phenotype was not available at the time of variant classification. Additional details can be found in publication PMID: 35346344, PMCID: PMC8962531

GeneDx
Classification: Likely benign. Last evaluated: 2017-08-07. Review status: criteria provided, single submitter. Criteria: GeneDx Variant Classification (06012015). Collection method: clinical testing. Allele origin: germline. Affected: yes.
Comment: This variant is considered likely benign or benign based on one or more of the following criteria: it is a conservative change, it occurs at a poorly conserved position in the protein, it is predicted to be benign by multiple in silico algorithms, and/or has population frequency not consistent with disease.

Color Diagnostics, LLC DBA Color Health
Classification: Likely benign for Hereditary cancer-predisposing syndrome. Last evaluated: 2017-05-26. Review status: criteria provided, single submitter. Criteria: ACMG Guidelines, 2015. Collection method: clinical testing. Allele origin: germline.